The following is an entry in ClinVar:

ClinVar aggregate classification (germline): Uncertain significance (1 of 4 stars; one submission).

Conditions:
Autosomal recessive mendelian susceptibility to mycobacterial diseases due to partial jak1 deficiency. Identifiers: Orphanet 574957, MedGen C5680361, MONDO:0035548.
Autoinflammation, immune dysregulation, and eosinophilia. Also called: ATOPIC DERMATITIS, ENTERITIS, COLITIS, AND EOSINOPHILIA. Identifiers: MedGen C5436572, MONDO:0033558, OMIM 618999.

Allele frequency attached by ClinVar (database versions not stated): ExAC 0.00001; TOPMed 0.00001; gnomAD 0.00003.
gnomAD v4.1: 46 of 1,613,962 alleles (0.0029%); highest among the groups gnomAD compares: African/African-American, 0.0053%; no homozygotes.

Submission:

Labcorp Genetics (formerly Invitae), Labcorp
Classification: Uncertain significance. Last evaluated: 2025-12-01. Review status: criteria provided, single submitter. Criteria: Invitae Variant Classification Sherloc (09022015). Collection method: clinical testing. Allele origin: germline.
Comment: This sequence change replaces aspartic acid, which is acidic and polar, with asparagine, which is neutral and polar, at codon 576 of the JAK1 protein (p.Asp576Asn). This variant is present in population databases (rs779408869, gnomAD 0.006%). This variant has not been reported in the literature in individuals affected with JAK1-related conditions. ClinVar contains an entry for this variant (Variation ID: 1355724). Invitae Evidence Modeling of protein sequence and biophysical properties (such as structural, functional, and spatial information, amino acid conservation, physicochemical variation, residue mobility, and thermodynamic stability) indicates that this missense variant is not expected to disrupt JAK1 protein function with a negative predictive value of 80%. In summary, the available evidence is currently insufficient to determine the role of this variant in disease. Therefore, it has been classified as a Variant of Uncertain Significance.

NM_002227.4(JAK1):c.1726G>A (p.Asp576Asn)

Gene: JAK1 (Janus kinase 1; minus strand). Cytogenetic location: 1p31.3.
Variant type: single nucleotide variant.
Coding change: c.1726G>A on transcript NM_002227.4 (MANE Select); coding-DNA position 1726, G replaced by A.
Protein change: p.Asp576Asn; replaces aspartic acid 576 with asparagine.
Molecular consequence: missense variant.
Genome position (GRCh38, 1-based): chr1:64,850,833, C>T on the plus strand (G>A on the coding strand, the complement: JAK1 is on the minus strand). VCF-style: chr1-64850833-C-T. GRCh37 (hg19) VCF-style: chr1-65316516-C-T.
Other names: c.1726G>A, p.Asp576Asn (NM_001320923.2, NM_001321852.2, NM_001321853.2 and 3 more transcripts); c.1723G>A, p.Asp575Asn (NM_001321857.2); c.1726G>A (NM_002227.3); short protein forms D576N, D575N.
Identifiers: ClinVar variation 1355724 (VCV001355724.9), dbSNP rs779408869, ClinGen allele CA892861.
Genomic context (GRCh38, chr1:64,850,833, plus strand): 5'-AGCTGGCCCACACCCTGCAGCCGTGACTCACCTGCACCAGATCCTTCTTGAGGATCCGAT[C>T]GAAACTCAGCTGGCTCATGGGGTAGACGGGCTGCCACTCCTGGGCTTTCTTAGTAGCCAC-3'
Protein context (NP_002218.2, residues 566-586): PVYPMSQLSF[Asp576Asn]RILKKDLVQG